The following is an entry in ClinVar:

ClinVar aggregate classification (germline): Likely benign. Review status: criteria provided, single submitter (1 of 4 stars). 2 submissions from 2 submitters: Likely benign (1). 1 of the submissions does not count toward it. Last evaluated 2022-05-25.

Conditions:
EVC2-related disorder. Also called: EVC2-related condition.
Ellis-van Creveld syndrome (EVC). Also called: EVC-Related Ellis-van Creveld Syndrome; EVC2-Related Ellis-van Creveld Syndrome; MESOECTODERMAL DYSPLASIA; Chondroectodermal dysplasia. Identifiers: Orphanet 289, MedGen C0013903, MONDO:0009162, OMIM 225500.
Curry-Hall syndrome (WAD). Also called: WEYERS ACRODENTAL DYSOSTOSIS. Identifiers: Orphanet 952, MedGen C0457013, MONDO:0008673, OMIM 193530.

gnomAD v4.1: 2 of 1,613,392 alleles (0.00012%); highest among the groups gnomAD compares: African/African-American, 0.0027%; no homozygotes.

Submissions (2):

Labcorp Genetics (formerly Invitae), Labcorp
Classification: Likely benign for Curry-Hall syndrome; Ellis-van Creveld syndrome. Last evaluated: 2022-05-25. Review status: criteria provided, single submitter. Criteria: Invitae Variant Classification Sherloc (09022015). Collection method: clinical testing. Allele origin: germline.

PreventionGenetics, part of Exact Sciences
Classification: Likely benign for EVC2-related condition. Last evaluated: 2019-03-12. Review status: no assertion criteria provided. Collection method: clinical testing. Allele origin: germline. Not counted in ClinVar's aggregate classification.
Comment: This variant is classified as likely benign based on ACMG/AMP sequence variant interpretation guidelines (Richards et al. 2015 PMID: 25741868, with internal and published modifications).

NM_147127.5(EVC2):c.707-10C>T

Gene: EVC2 (EvC ciliary complex subunit 2; minus strand). Cytogenetic location: 4p16.2.
Variant type: single nucleotide variant.
Coding change: c.707-10C>T on transcript NM_147127.5 (MANE Select); 10 bases into the intron before coding-DNA position 707, C replaced by T.
Molecular consequence: intron variant.
Genome position (GRCh38, 1-based): chr4:5,685,489, G>A on the plus strand (C>T on the coding strand, the complement: EVC2 is on the minus strand). VCF-style: chr4-5685489-G-A. GRCh37 (hg19) VCF-style: chr4-5687216-G-A.
Other names: c.467-10C>T (NM_001166136.2); c.707-10C>T (NM_147127.4).
Identifiers: ClinVar variation 2183677 (VCV002183677.6), dbSNP rs1488714716, ClinGen allele CA549398076.